The following is an entry in ClinVar:

NM_006231.4(POLE):c.3214G>T (p.Ala1072Ser)

Gene: POLE (DNA polymerase epsilon, catalytic subunit; minus strand). Cytogenetic location: 12q24.33.
Variant type: single nucleotide variant.
Coding change: c.3214G>T on transcript NM_006231.4 (MANE Select); coding-DNA position 3214, G replaced by T.
Protein change: p.Ala1072Ser; replaces alanine 1072 with serine.
Molecular consequence: missense variant.
Genome position (GRCh38, 1-based): chr12:132,659,356, C>A on the plus strand (G>T on the coding strand, the complement: POLE is on the minus strand). VCF-style: chr12-132659356-C-A. GRCh37 (hg19) VCF-style: chr12-133235942-C-A.
Other names: short protein forms A1072S.
Identifiers: ClinVar variation 3225435 (VCV003225435.1), dbSNP rs1555225652, ClinGen allele CA387390491.

ClinVar aggregate classification (germline): Uncertain significance (1 of 4 stars; one submission).

Conditions:
Hereditary cancer-predisposing syndrome. Also called: Neoplastic Syndromes, Hereditary; Tumor predisposition; Hereditary neoplastic syndrome; Hereditary Cancer Syndrome. Identifiers: Orphanet 140162, MedGen C0027672, MeSH D009386, MONDO:0015356.

Submission:

Ambry Genetics
Classification: Uncertain significance for Hereditary cancer-predisposing syndrome. Last evaluated: 2023-10-04. Review status: criteria provided, single submitter. Criteria: Ambry Variant Classification Scheme 2023. Collection method: clinical testing. Allele origin: germline.
Comment: The p.A1072S variant (also known as c.3214G>T), located in coding exon 26 of the POLE gene, results from a G to T substitution at nucleotide position 3214. The alanine at codon 1072 is replaced by serine, an amino acid with similar properties. This amino acid position is conserved. In addition, the in silico prediction for this alteration is inconclusive. Since supporting evidence is limited at this time, the clinical significance of this alteration remains unclear.